The following is an entry in ClinVar:

NM_001378452.1(ITPR1):c.748T>C (p.Phe250Leu)

Gene: ITPR1 (inositol 1,4,5-trisphosphate receptor type 1; plus strand). Cytogenetic location: 3p26.1.
Variant type: single nucleotide variant.
Coding change: c.748T>C on transcript NM_001378452.1 (MANE Select); coding-DNA position 748, T replaced by C.
Protein change: p.Phe250Leu; replaces phenylalanine 250 with leucine.
Molecular consequence: missense variant.
Genome position (GRCh38, 1-based): chr3:4,645,621, T>C. VCF-style: chr3-4645621-T-C. GRCh37 (hg19) VCF-style: chr3-4687305-T-C.
Other names: c.748T>C, p.Phe250Leu (NM_001099952.4, NM_001168272.2, NM_002222.7); short protein forms F250L.
Identifiers: ClinVar variation 1186673 (VCV001186673.5), dbSNP rs2125159710, ClinGen allele CA351636523.

ClinVar aggregate classification (germline): Pathogenic/Likely pathogenic. Review status: criteria provided, multiple submitters, no conflicts (2 of 4 stars). 3 submissions from 3 submitters: Pathogenic (1); Likely pathogenic (2). Last evaluated 2026-04-14.

Conditions:
Spinocerebellar ataxia type 15/16 (SCA15). Also called: Spinocerebellar Ataxia Type 15. Identifiers: Orphanet 98769, MedGen C1847725, MONDO:0011694, OMIM 606658.

Submissions (3):

Dasa
Classification: Likely pathogenic. Last evaluated: 2026-04-14. Review status: criteria provided, single submitter. Criteria: DASA Assertion Criteria. Collection method: clinical testing. Allele origin: germline.
Comment: NM_001378452.1(ITPR1):c.748T>C (p.Phe250Leu) is a missense variant that results in the substitution of phenylalanine with leucine. The affected residue or protein region has prior evidence supporting clinical relevance. This variant has been reported as a de novo occurrence in an affected individual (PMID: 39433808; PMID: 34008892). Also, this variant is absent from population databases. Computational evidence supports a deleterious effect. Based on the currently available evidence, this variant is classified as likely pathogenic.

Laboratory of Medical Genetics, National & Kapodistrian University of Athens
Classification: Likely pathogenic for Spinocerebellar ataxia type 15/16. Last evaluated: 2021-10-01. Review status: criteria provided, single submitter. Criteria: ACMG Guidelines, 2015. Collection method: clinical testing. Allele origin: de novo. Affected: yes.
Comment: PS2, PM1, PM2, PP3

GeneDx
Classification: Pathogenic. Last evaluated: 2021-03-08. Review status: criteria provided, single submitter. Criteria: GeneDx Variant Classification Process June 2021. Collection method: clinical testing. Allele origin: germline. Affected: yes.
Comment: Not observed in large population cohorts (Lek et al., 2016); In silico analysis supports that this missense variant has a deleterious effect on protein structure/function; Has not been previously published as pathogenic or benign to our knowledge

Literature cited by the submitters: PubMed 34008892 (cited by Dasa and Laboratory of Medical Genetics, National & Kapodistrian University of Athens); PubMed 39433808 (cited by Dasa).